The following is an entry in ClinVar:

NM_000127.3(EXT1):c.1430C>T (p.Pro477Leu)

Gene: EXT1 (exostosin glycosyltransferase 1; minus strand). Cytogenetic location: 8q24.11.
Variant type: single nucleotide variant.
Coding change: c.1430C>T on transcript NM_000127.3 (MANE Select); coding-DNA position 1430, C replaced by T.
Protein change: p.Pro477Leu; replaces proline 477 with leucine.
Molecular consequence: missense variant.
Genome position (GRCh38, 1-based): chr8:117,819,782, G>A on the plus strand (C>T on the coding strand, the complement: EXT1 is on the minus strand). VCF-style: chr8-117819782-G-A. GRCh37 (hg19) VCF-style: chr8-118832021-G-A.
Other names: short protein forms P477L.
Identifiers: ClinVar variation 2755063 (VCV002755063.3), dbSNP rs145720047, ClinGen allele CA371885516.
Genomic context (GRCh38, chr8:117,819,782, plus strand): 5'-ACTGGCTGGGACTGAGAGACCAGGGGGGTCACCGCATGGATGACTGCAGTGAATTTGGAG[G>A]GGGGCTTTAAACCTGAAATAAAAAGGAGAGTAGAGCCTAATGAAGCGCTGGAAAGCAAGA-3'
Protein context (NP_000118.2, residues 467-487): YYYANLGLKP[Pro477Leu]SKFTAVIHAV

ClinVar aggregate classification (germline): Uncertain significance (1 of 4 stars; one submission).

Conditions:
Multiple congenital exostosis (EXT). Also called: MULTIPLE CARTILAGINOUS EXOSTOSES; Hereditary multiple osteochondromas; Multiple osteochondromas; Hereditary multiple exostoses; Hereditary multiple exostosis; Multiple exostoses. Identifiers: Orphanet 321, MedGen C0015306, MONDO:0005508, HP:0002762.

Submission:

Labcorp Genetics (formerly Invitae), Labcorp
Classification: Uncertain significance for Multiple congenital exostosis. Last evaluated: 2023-08-25. Review status: criteria provided, single submitter. Criteria: Invitae Variant Classification Sherloc (09022015). Collection method: clinical testing. Allele origin: germline.
Comment: This sequence change replaces proline, which is neutral and non-polar, with leucine, which is neutral and non-polar, at codon 477 of the EXT1 protein (p.Pro477Leu). This variant is not present in population databases (gnomAD no frequency). This variant has not been reported in the literature in individuals affected with EXT1-related conditions. Advanced modeling of protein sequence and biophysical properties (such as structural, functional, and spatial information, amino acid conservation, physicochemical variation, residue mobility, and thermodynamic stability) performed at Invitae indicates that this missense variant is not expected to disrupt EXT1 protein function. In summary, the available evidence is currently insufficient to determine the role of this variant in disease. Therefore, it has been classified as a Variant of Uncertain Significance.